The following is an entry in ClinVar:

ClinVar aggregate classification (germline): Pathogenic (1 of 4 stars; one submission).

Submission:

GeneDx
Classification: Pathogenic. Last evaluated: 2018-06-28. Review status: criteria provided, single submitter. Criteria: GeneDx Variant Classification (06012015). Collection method: clinical testing. Allele origin: germline. Affected: yes.
Comment: The E91X pathogenic variant in the CHD2 gene has not been reported previously as a pathogenic variant nor as a benign variant, to our knowledge. This variant is predicted to cause loss of normal protein function either through protein truncation or nonsense-mediated mRNA decay. The E91X variant was not observed in approximately 6500 individuals of European and African American ancestry in the NHLBI Exome Sequencing Project, indicating it is not a common benign variant in these populations. We interpret E91X as a pathogenic variant.

NM_001271.4(CHD2):c.271G>T (p.Glu91Ter)

Gene: CHD2 (chromodomain helicase DNA binding protein 2; plus strand). Cytogenetic location: 15q26.1.
Variant type: single nucleotide variant.
Coding change: c.271G>T on transcript NM_001271.4 (MANE Select); coding-DNA position 271, G replaced by T.
Protein change: p.Glu91Ter; replaces glutamic acid 91 with a stop codon.
Molecular consequence: nonsense.
Genome position (GRCh38, 1-based): chr15:92,924,529, G>T. VCF-style: chr15-92924529-G-T. GRCh37 (hg19) VCF-style: chr15-93467759-G-T.
Other names: c.271G>T, p.Glu91Ter (NM_001042572.3); short protein forms E91*.
Identifiers: ClinVar variation 280443 (VCV000280443.2), dbSNP rs886041650, ClinGen allele CA10603277.